The following is an entry in ClinVar:

ClinVar aggregate classification (germline): Pathogenic (1 of 4 stars; one submission).

Conditions:
Anauxetic dysplasia. Identifiers: Orphanet 93347, MedGen C1846796, MONDO:0011773.

Submission:

Labcorp Genetics (formerly Invitae), Labcorp
Classification: Pathogenic for Anauxetic dysplasia. Last evaluated: 2024-05-06. Review status: criteria provided, single submitter. Criteria: Invitae Variant Classification Sherloc (09022015). Collection method: clinical testing. Allele origin: germline.
Comment: This variant occurs in the RMRP gene, which encodes an RNA molecule that does not result in a protein product. This variant is not present in population databases (gnomAD no frequency). While this particular variant has not been reported in the literature, it is located in the promoter region between the TATA box and the transcription initiation site, and other insertions and duplications immediately upstream of the coding sequence have been reported in individuals affected with cartilage-hair hypoplasia-anauxetic dysplasia (CHH-AD) spectrum disorders (PMID: 16244706, 11207361, 12107819). While functional studies for this variant have not been reported, experimental analyses using patient derived cells, as well as in vitro transfection studies, have shown that promoter insertions result in silencing of RMRP transcription and reduced expression of the gene product (PMID: 11207361, 16254002). For these reasons, this variant has been classified as Pathogenic.

Literature cited by the submitters: PubMed 16244706; PubMed 11207361; PubMed 12107819; PubMed 16254002.

NC_000009.12:g.35658016_35658050dup

Gene: RMRP (RNA component of mitochondrial RNA processing endoribonuclease; minus strand). Cytogenetic location: 9p13.3.
Variant type: Duplication.
Genome position: GRCh38: chr9:35,658,016-35,658,050. GRCh37 (hg19): chr9:35,658,013-35,658,047.
Identifiers: ClinVar variation 3623986 (VCV003623986.2).
Genomic context (GRCh38, chr9:35,658,014, plus strand): 5'-AGGCGGAAAGGGGAGGAACAGAGTCCTCAGTGTGTAGCCTAGGATACAGGCCTTCAGCAC[G>GAACCACGTCCTCAGCTTCACAGAGTAGTATTTTAT]AACCACGTCCTCAGCTTCACAGAGTAGTATTTTATAGCCCTAAAGAAATTGTGTTTTATG-3'